The following is an entry in ClinVar:

ClinVar aggregate classification (germline): Likely benign. Review status: criteria provided, multiple submitters, no conflicts (2 of 4 stars). 2 submissions from 2 submitters: Likely benign (2). Last evaluated 2025-12-20.

Conditions:
RYR1-related disorder. Also called: RYR1-related disorders; RYR1-related condition. Identifiers: MedGen CN239331.
Malignant hyperthermia, susceptibility to, 1 (MHS1). Also called: Malignant hyperthermia suceptibility 1; Anesthesia related hyperthermia; Malignant hyperpyrexia; Fulminating hyperpyrexia; Pharmacogenic myopathy; RYR1-Related Malignant Hyperthermia Susceptibility. Identifiers: Orphanet 423, MedGen C2930980, MONDO:0007783, OMIM 145600.

Allele frequency attached by ClinVar (database versions not stated): TOPMed below 0.00001; gnomAD exomes 0.00001.
gnomAD v4.1: 16 of 1,614,146 alleles (0.00099%); highest among the groups gnomAD compares: African/African-American, 0.0013%; no homozygotes.

Submissions (2):

Labcorp Genetics (formerly Invitae), Labcorp
Classification: Likely benign for RYR1-related disorder. Last evaluated: 2025-12-20. Review status: criteria provided, single submitter. Criteria: Invitae Variant Classification Sherloc (09022015). Collection method: clinical testing. Allele origin: germline.

All of Us Research Program, National Institutes of Health
Classification: Likely benign for Malignant hyperthermia, susceptibility to, 1. Last evaluated: 2023-12-13. Review status: criteria provided, single submitter. Criteria: ACMG Guidelines, 2015. Collection method: clinical testing. Allele origin: germline. Inheritance: Autosomal dominant inheritance. Observed: 2 variant alleles, 2 heterozygotes.
Comment: This study involves interpretation of variants in research participants for the purpose of population health screening. Participant phenotype was not available at the time of variant classification. Additional details can be found in publication PMID: 35346344, PMCID: PMC8962531

NM_000540.3(RYR1):c.372C>T (p.Arg124=)

Gene: RYR1 (ryanodine receptor 1; plus strand). Cytogenetic location: 19q13.2.
Variant type: single nucleotide variant.
Coding change: c.372C>T on transcript NM_000540.3 (MANE Select); coding-DNA position 372, C replaced by T.
Protein change: p.Arg124=; no amino-acid change (arginine 124 retained).
Molecular consequence: synonymous variant.
Genome position (GRCh38, 1-based): chr19:38,443,744, C>T. VCF-style: chr19-38443744-C-T. GRCh37 (hg19) VCF-style: chr19-38934384-C-T.
Other names: c.372C>T, p.Arg124= (NM_001042723.2).
Identifiers: ClinVar variation 2156552 (VCV002156552.5), dbSNP rs750357918, ClinGen allele CA308111250.